The following is an entry in ClinVar:

NM_031483.7(ITCH):c.475+3257G>T

Gene: ITCH (itchy E3 ubiquitin protein ligase; plus strand). Cytogenetic location: 20q11.22.
Variant type: single nucleotide variant.
Coding change: c.475+3257G>T on transcript NM_031483.7 (MANE Select); 3257 bases into the intron after coding-DNA position 475, G replaced by T.
Molecular consequence: intron variant. On other transcripts: missense variant (2).
Genome position (GRCh38, 1-based): chr20:34,417,136, G>T. VCF-style: chr20-34417136-G-T. GRCh37 (hg19) VCF-style: chr20-33004942-G-T.
Other names: c.495G>T, p.Leu165Phe (NM_001257137.3, NM_001324197.2); c.475+3257G>T (NM_001324198.2); c.145+3257G>T (NM_001257138.3); short protein forms L165F.
Identifiers: ClinVar variation 3388073 (VCV003388073.15).

ClinVar aggregate classification (germline): Likely benign. Review status: criteria provided, multiple submitters, no conflicts (2 of 4 stars). 2 submissions from 2 submitters: Likely benign (2). Last evaluated 2024-11-01.

gnomAD v4.1: 553 of 664,420 alleles (0.083%); highest among the groups gnomAD compares: Non-Finnish European, 0.016%; 5 homozygotes.

Submissions (2):

CeGaT Center for Human Genetics Tuebingen
Classification: Likely benign. Last evaluated: 2024-11-01. Review status: criteria provided, single submitter. Criteria: CeGaT Center For Human Genetics Tuebingen Variant Classification Criteria Version 2. Collection method: clinical testing. Allele origin: germline. Affected: yes. Observed: 1 variant allele.
Comment: ITCH: BP4, BS2

Blueprint Genetics
Classification: Likely benign. Last evaluated: 2024-06-17. Review status: criteria provided, single submitter. Criteria: ACMG Guidelines, 2015. Collection method: clinical testing. Allele origin: germline.